The following is an entry in ClinVar:

ClinVar aggregate classification (germline): Conflicting classifications of pathogenicity. Review status: criteria provided, conflicting classifications (1 of 4 stars). 3 submissions from 2 submitters: Likely pathogenic (1); Uncertain significance (2). Last evaluated 2025-10-14.

Conditions:
Hyper-IgE recurrent infection syndrome 1, autosomal dominant. Also called: JOB SYNDROME; Hyper-IgE recurrent infection syndrome 1; STAT3 Hyper IgE Syndrome; HYPER-IgE SYNDROME 1, AUTOSOMAL DOMINANT, WITH RECURRENT INFECTIONS; Job's Syndrome. Identifiers: Orphanet 2314, MedGen C2936739, MONDO:0007818, OMIM 147060.
STAT3-related early-onset multisystem autoimmune disease. Also called: Autoimmune disease, multisystem, infantile-onset, 1. Identifiers: Orphanet 438159, MedGen C4014795, MONDO:0014414, OMIM 615952.
STAT3 gain of function. Identifiers: MedGen C4288261.

Allele frequency attached by ClinVar (database versions not stated): gnomAD exomes below 0.00001; ExAC 0.00002.
gnomAD v4.1: 6 of 1,614,092 alleles (0.00037%); highest among the groups gnomAD compares: Non-Finnish European, 0.00042%; no homozygotes.

Submissions (3):

Labcorp Genetics (formerly Invitae), Labcorp
Classification: Likely pathogenic for STAT3 gain of function; Hyper-IgE recurrent infection syndrome 1, autosomal dominant. Last evaluated: 2025-10-14. Review status: criteria provided, single submitter. Criteria: Invitae Variant Classification Sherloc (09022015). Collection method: clinical testing. Allele origin: germline.
Comment: This sequence change replaces arginine, which is basic and polar, with glutamine, which is neutral and polar, at codon 335 of the STAT3 protein (p.Arg335Gln). This variant is present in population databases (rs776115471, gnomAD 0.002%). This variant has not been reported in the literature in individuals affected with STAT3-related conditions. ClinVar contains an entry for this variant (Variation ID: 2443043). Invitae Evidence Modeling of protein sequence and biophysical properties (such as structural, functional, and spatial information, amino acid conservation, physicochemical variation, residue mobility, and thermodynamic stability) indicates that this missense variant is expected to disrupt STAT3 protein function with a positive predictive value of 95%. Experimental studies have shown that this missense change affects STAT3 function (PMID: 25874976). This variant disrupts the p.Arg335 amino acid residue in STAT3. Other variant(s) that disrupt this residue have been determined to be pathogenic (PMID: 18602572, 22030463; internal data). This suggests that this residue is clinically significant, and that variants that disrupt this residue are likely to be disease-causing. In summary, the currently available evidence indicates that the variant is pathogenic, but additional data are needed to prove that conclusively. Therefore, this variant has been classified as Likely Pathogenic.

Johns Hopkins Genomics, Johns Hopkins University
Classification: Uncertain significance for STAT3-related early-onset multisystem autoimmune disease. Last evaluated: 2023-01-23. Review status: criteria provided, single submitter. Criteria: ACMG Guidelines, 2015. Collection method: clinical testing. Allele origin: germline.
Comment: This STAT3 missense variant (rs776115471) is rare (<0.1%) in a large population dataset (gnomAD v2.1.1: 2/251376 total alleles; 0.0008%; no homozygotes). It has not been reported in ClinVar nor the literature, to our knowledge. Two bioinformatic tools queried predict that this substitution would be deleterious, but these algorithms have low specificity, especially for predicting gain of function or dominant negative variants. The arginine residue at this position is evolutionarily conserved across most of the species assessed. We consider the clinical significance of c.1004G>A;p.Arg335Gln in STAT3 to be uncertain at this time.

Johns Hopkins Genomics, Johns Hopkins University
Classification: Uncertain significance for Hyper-IgE recurrent infection syndrome 1, autosomal dominant. Last evaluated: 2023-01-23. Review status: criteria provided, single submitter. Criteria: ACMG Guidelines, 2015. Collection method: clinical testing. Allele origin: germline.
Comment: the same text as in the submission from Johns Hopkins Genomics, Johns Hopkins University above.

Literature cited by the submitters: PubMed 25874976 (cited by Labcorp Genetics (formerly Invitae), Labcorp); PubMed 18602572 (cited by Labcorp Genetics (formerly Invitae), Labcorp); PubMed 22030463 (cited by Labcorp Genetics (formerly Invitae), Labcorp); PubMed 33003453 (cited by Johns Hopkins Genomics, Johns Hopkins University); PubMed 34366294 (cited by Johns Hopkins Genomics, Johns Hopkins University).

NM_139276.3(STAT3):c.1004G>A (p.Arg335Gln)

Gene: STAT3 (signal transducer and activator of transcription 3; minus strand). Cytogenetic location: 17q21.2.
Variant type: single nucleotide variant.
Coding change: c.1004G>A on transcript NM_139276.3 (MANE Select); coding-DNA position 1004, G replaced by A.
Protein change: p.Arg335Gln; replaces arginine 335 with glutamine.
Molecular consequence: missense variant.
Genome position (GRCh38, 1-based): chr17:42,333,718, C>T on the plus strand (G>A on the coding strand, the complement: STAT3 is on the minus strand). VCF-style: chr17-42333718-C-T. GRCh37 (hg19) VCF-style: chr17-40485736-C-T.
Other names: c.1004G>A, p.Arg335Gln (NM_001369512.1, NM_001369513.1, NM_001369514.1 and 15 more transcripts); c.926G>A, p.Arg309Gln (NM_001384985.1); c.908G>A, p.Arg303Gln (NM_001384989.1); short protein forms R303Q, R309Q, R335Q.
Identifiers: ClinVar variation 2443043 (VCV002443043.2), dbSNP rs776115471, ClinGen allele CA8575498.